The following is an entry in ClinVar:

NM_198253.3(TERT):c.193C>G (p.Pro65Ala)

Genes: TERT (telomerase reverse transcriptase; minus strand), LOC110806263 (TERT 5' regulatory region; plus strand). Cytogenetic location: 5p15.33.
Variant type: single nucleotide variant.
Coding change: c.193C>G on transcript NM_198253.3 (MANE Select); coding-DNA position 193, C replaced by G.
Protein change: p.Pro65Ala; replaces proline 65 with alanine.
Molecular consequence: missense variant. On other transcripts: non-coding transcript variant (2).
Genome position (GRCh38, 1-based): chr5:1,294,797, G>C on the plus strand (C>G on the coding strand, the complement: TERT is on the minus strand). VCF-style: chr5-1294797-G-C. GRCh37 (hg19) VCF-style: chr5-1294912-G-C.
Other names: c.193C>G, p.Pro65Ala (NM_001193376.3); short protein forms P65A.
Identifiers: ClinVar variation 471841 (VCV000471841.17), dbSNP rs544215765, ClinGen allele CA3185021.

ClinVar aggregate classification (germline): Conflicting classifications of pathogenicity. Review status: criteria provided, conflicting classifications (1 of 4 stars). 7 submissions from 7 submitters: Likely pathogenic (1); Uncertain significance (5); Likely benign (1). Last evaluated 2026-01-19.

Conditions:
Dyskeratosis congenita, autosomal dominant 2. Identifiers: MedGen C3151443, MONDO:0013521, OMIM 613989.
Idiopathic Pulmonary Fibrosis. Also called: Idiopathic fibrosing alveolitis, chronic form; idiopathic fibrosing alveolitis. Identifiers: Orphanet 2032, MedGen C1800706, MeSH D054990, MONDO:0800504.
Dyskeratosis congenita. Identifiers: Orphanet 1775, MedGen C0265965, MONDO:0015780.

Allele frequency attached by ClinVar (database versions not stated): ExAC below 0.00001; gnomAD 0.00003; TOPMed 0.00014; 1000 Genomes Project 30x 0.00016; 1000 Genomes Project 0.00040.
gnomAD v4.1: 15 of 1,524,376 alleles (0.00098%); highest among the groups gnomAD compares: African/African-American, 0.015%; no homozygotes.

Submissions (7):

Labcorp Genetics (formerly Invitae), Labcorp
Classification: Likely benign for Dyskeratosis congenita, autosomal dominant 2; Idiopathic Pulmonary Fibrosis. Last evaluated: 2026-01-19. Review status: criteria provided, single submitter. Criteria: Invitae Variant Classification Sherloc (09022015). Collection method: clinical testing. Allele origin: germline.

Ambry Genetics
Classification: Uncertain significance for Dyskeratosis congenita. Last evaluated: 2024-12-05. Review status: criteria provided, single submitter. Criteria: Ambry Variant Classification Scheme 2023. Collection method: clinical testing. Allele origin: germline.
Comment: The p.P65A variant (also known as c.193C>G), located in coding exon 1 of the TERT gene, results from a C to G substitution at nucleotide position 193. The proline at codon 65 is replaced by alanine, an amino acid with highly similar properties. This amino acid position is not well conserved in available vertebrate species. In addition, this alteration is predicted to be tolerated by in silico analysis. The evidence for this gene-disease relationship is limited; therefore, the clinical significance of this alteration is unclear.

GeneDx
Classification: Uncertain significance. Last evaluated: 2023-11-03. Review status: criteria provided, single submitter. Criteria: GeneDx Variant Classification Process June 2021. Collection method: clinical testing. Allele origin: germline. Affected: yes.
Comment: Published functional studies are conflicting: some demonstrate reduced or absent telomerase activity and reduced cell growth compared to wildtype, while others failed to show significant reductions in telomerase activity and processivity (PMID: 19147845, 21520174, 23901009); Reported in the germline of individuals with aplastic anemia, myelodysplastic syndrome, and/or liver cirrhosis (PMID: 21520174, 30523342, 35969835); In silico analysis supports that this missense variant does not alter protein structure/function; This variant is associated with the following publications: (PMID: 30995915, 19796246, 19636400, 23901009, 19147845, 21520174, 23716176, 35969835, 30523342)

Baylor Genetics
Classification: Uncertain significance for Dyskeratosis congenita, autosomal dominant 2. Last evaluated: 2023-10-11. Review status: criteria provided, single submitter. Criteria: ACMG Guidelines, 2015. Collection method: clinical testing. Allele origin: unknown.

Laboratorio de Genetica e Diagnostico Molecular, Hospital Israelita Albert Einstein
Classification: Uncertain significance for Dyskeratosis congenita, autosomal dominant 2. Last evaluated: 2022-02-11. Review status: criteria provided, single submitter. Criteria: ACMG Guidelines, 2015. Collection method: clinical testing. Allele origin: germline. Affected: yes.
Comment: ACMG classification criteria: PS3 supporting, PS4 supporting, PP2 supporting, BP4 supporting

Sema4
Classification: Uncertain significance for Dyskeratosis congenita. Last evaluated: 2021-12-20. Review status: criteria provided, single submitter. Criteria: Sema4 Curation Guidelines. Collection method: curation. Allele origin: germline.
Comment: The TERT c.193C>G (p.P65A) variant has been reported in heterozygosity in at least three individuals with acute myeloid leukemia (PMID: 19147845), liver cirrhosis (PMID: 21520174), or aplastic anemia (PMID: 30523342). Functional studies have shown that this variant significantly reduces telomerase activity compared to the wildtype (PMID: 19147845, 23901009). It was observed in 2/24154 chromosomes in the Latino subpopulation in the large and broad cohorts of the Genome Aggregation Database (PMID: 32461654) but this frequency estimate may not be accurate due to low coverage at this position in gnomeAD genomes. The evidence is insufficient to meet ACMG/AMP criteria for classifying the variant as benign or pathogenic. Thus, the clinical significance of this variant is currently uncertain.

Johns Hopkins Genomics, Johns Hopkins University
Classification: Likely pathogenic for Dyskeratosis congenita, autosomal dominant 2. Last evaluated: 2020-07-20. Review status: criteria provided, single submitter. Criteria: ACMG Guidelines, 2015. Collection method: clinical testing. Allele origin: germline.
Comment: This TERT variant has been reported in patients presenting with cirrhosis and acute myeloid leukemia with aplastic anemia. Functional studies showed that this variant significantly reduces telomerase activity compared to the wildtype. TERT c.193C>G is located in the RNA-interaction domain within the N-terminal extension region. This variant (rs544215765) has a ClinVar entry, and is shown rare (<0.1%) in a large population dataset (gnomAD: 3/150704 total alleles; 0.002%; no homozygotes), however this frequency estimate may not be reliable due to low coverage at this position in gnomAD exomes. We consider this variant to be likely pathogenic.

Literature cited by the submitters: PubMed 19147845 (cited by Sema4 and Johns Hopkins Genomics, Johns Hopkins University); PubMed 21520174 (cited by Sema4 and Johns Hopkins Genomics, Johns Hopkins University); PubMed 30523342 (cited by Sema4); PubMed 23901009 (cited by Sema4 and Johns Hopkins Genomics, Johns Hopkins University); PubMed 19796246 (cited by Johns Hopkins Genomics, Johns Hopkins University); PubMed 30995915 (cited by Johns Hopkins Genomics, Johns Hopkins University).